The following is an entry in ClinVar:

ClinVar aggregate classification (germline): Uncertain significance (1 of 4 stars; one submission).

Conditions:
Ehlers-Danlos syndrome, type 4 (EDSVASC). Also called: Ehlers-Danlos syndrome vascular type; Ehlers Danlos syndrome, ecchymotic type; Ehlers Danlos syndrome, arterial type; Ehlers Danlos syndrome, Sack-Barabas type; Ehlers-Danlos Syndrome Type IV. Identifiers: Orphanet 286, MedGen C0268338, MONDO:0017314, OMIM 130050.

Submission:

Labcorp Genetics (formerly Invitae), Labcorp
Classification: Uncertain significance for Ehlers-Danlos syndrome, type 4. Last evaluated: 2025-05-05. Review status: criteria provided, single submitter. Criteria: Invitae Variant Classification Sherloc (09022015). Collection method: clinical testing. Allele origin: germline.
Comment: This sequence change replaces proline, which is neutral and non-polar, with histidine, which is basic and polar, at codon 355 of the COL3A1 protein (p.Pro355His). This variant is not present in population databases (gnomAD no frequency). This variant has not been reported in the literature in individuals affected with COL3A1-related conditions. ClinVar contains an entry for this variant (Variation ID: 2159703). Invitae Evidence Modeling of protein sequence and biophysical properties (such as structural, functional, and spatial information, amino acid conservation, physicochemical variation, residue mobility, and thermodynamic stability) has been performed for this missense variant. However, the output from this modeling did not meet the statistical confidence thresholds required to predict the impact of this variant on COL3A1 protein function. In summary, the available evidence is currently insufficient to determine the role of this variant in disease. Therefore, it has been classified as a Variant of Uncertain Significance.

NM_000090.4(COL3A1):c.1064C>A (p.Pro355His)

Gene: COL3A1 (collagen type III alpha 1 chain; plus strand). Cytogenetic location: 2q32.2.
Variant type: single nucleotide variant.
Coding change: c.1064C>A on transcript NM_000090.4 (MANE Select); coding-DNA position 1064, C replaced by A.
Protein change: p.Pro355His; replaces proline 355 with histidine.
Molecular consequence: missense variant.
Genome position (GRCh38, 1-based): chr2:188,993,374, C>A. VCF-style: chr2-188993374-C-A. GRCh37 (hg19) VCF-style: chr2-189858100-C-A.
Other names: short protein forms P355H.
Identifiers: ClinVar variation 2159703 (VCV002159703.4), dbSNP rs1385895806, ClinGen allele CA349850792.